The following is an entry in ClinVar:

NM_003482.4(KMT2D):c.8320C>T (p.Arg2774Trp)

Gene: KMT2D (lysine methyltransferase 2D; minus strand). Cytogenetic location: 12q13.12.
Variant type: single nucleotide variant.
Coding change: c.8320C>T on transcript NM_003482.4 (MANE Select); coding-DNA position 8320, C replaced by T.
Protein change: p.Arg2774Trp; replaces arginine 2774 with tryptophan.
Molecular consequence: missense variant.
Genome position (GRCh38, 1-based): chr12:49,039,268, G>A on the plus strand (C>T on the coding strand, the complement: KMT2D is on the minus strand). VCF-style: chr12-49039268-G-A. GRCh37 (hg19) VCF-style: chr12-49433051-G-A.
Other names: short protein forms R2774W.
Identifiers: ClinVar variation 2055401 (VCV002055401.5), dbSNP rs779166504, ClinGen allele CA6546867.

ClinVar aggregate classification (germline): Benign/Likely benign. Review status: criteria provided, multiple submitters, no conflicts (2 of 4 stars). 2 submissions from 2 submitters: Benign (1); Likely benign (1). Last evaluated 2026-01-17.

Conditions:
Kabuki syndrome. Also called: Kabuki make-up syndrome; NIIKAWA-KUROKI SYNDROME. Identifiers: Orphanet 2322, MedGen C0796004, MONDO:0016512.
KMT2D-related disorder. Also called: KMT2D-Related Disorders.

Allele frequency attached by ClinVar (database versions not stated): ExAC 0.00001; gnomAD exomes 0.00001; gnomAD 0.00002; TOPMed 0.00003.
gnomAD v4.1: 24 of 1,613,482 alleles (0.0015%); highest among the groups gnomAD compares: East Asian, 0.0022%; no homozygotes.

Submissions (2):

Labcorp Genetics (formerly Invitae), Labcorp
Classification: Benign for Kabuki syndrome. Last evaluated: 2026-01-17. Review status: criteria provided, single submitter. Criteria: Invitae Variant Classification Sherloc (09022015). Collection method: clinical testing. Allele origin: germline.

PreventionGenetics, part of Exact Sciences
Classification: Likely benign for KMT2D-related condition. Last evaluated: 2024-12-19. Review status: criteria provided, single submitter. Criteria: ACMG Guidelines, 2015. Collection method: clinical testing. Allele origin: germline.
Comment: This variant is classified as likely benign based on ACMG/AMP sequence variant interpretation guidelines (Richards et al. 2015 PMID: 25741868, with internal and published modifications).